The following is an entry in ClinVar:

NM_000138.5(FBN1):c.6718_6719del (p.Glu2240fs)

Gene: FBN1 (fibrillin 1; minus strand). Cytogenetic location: 15q21.1.
Variant type: Microsatellite.
Coding change: c.6718_6719del on transcript NM_000138.5 (MANE Select); coding-DNA positions 6718 to 6719, 2 bases deleted (GA; older notation c.6718_6719delGA).
Protein change: p.Glu2240fs; shifts the reading frame from glutamic acid 2240.
Molecular consequence: frameshift variant.
Genome position (GRCh38, 1-based): chr15:48,432,886-48,432,887, TC deleted on the plus strand (GA on the coding strand, the reverse complement: FBN1 is on the minus strand); deleting any 2 consecutive bases within chr15:48,432,886-48,432,890 gives the same sequence; the c. name uses the placement nearest the transcript's 3' end. VCF-style (leftmost placement, unchanged base first): chr15-48432885-TTC-T. GRCh37 (hg19) VCF-style: chr15-48725082-TTC-T.
Other names: short protein forms E2240fs.
Identifiers: ClinVar variation 862538 (VCV000862538.7), dbSNP rs2043034865, ClinGen allele CA916082410.

ClinVar aggregate classification (germline): Pathogenic (1 of 4 stars; one submission).

Conditions:
Familial thoracic aortic aneurysm and aortic dissection (TAAD). Also called: Thoracic aortic aneurysms and dissections. Identifiers: Orphanet 91387, MedGen C4707243, MONDO:0019625.
Marfan syndrome (MFS). Also called: FBN1-Related Marfan Syndrome; Marfan's syndrome; MARFAN SYNDROME, TYPE I; Marfan syndrome type 1; Marfan syndrome, classic. Identifiers: Orphanet 284963, Orphanet 558, MedGen C0024796, MONDO:0007947, OMIM 154700.

Submission:

Labcorp Genetics (formerly Invitae), Labcorp
Classification: Pathogenic for Marfan syndrome; Familial thoracic aortic aneurysm and aortic dissection. Last evaluated: 2019-05-12. Review status: criteria provided, single submitter. Criteria: Invitae Variant Classification Sherloc (09022015). Collection method: clinical testing. Allele origin: germline.
Comment: For these reasons, this variant has been classified as Pathogenic. Loss-of-function variants in FBN1 are known to be pathogenic (PMID: 17657824, 19293843). This variant has not been reported in the literature in individuals with FBN1-related conditions. This variant is not present in population databases (ExAC no frequency). This sequence change creates a premature translational stop signal (p.Glu2240Argfs*3) in the FBN1 gene. It is expected to result in an absent or disrupted protein product.

Literature cited by the submitters: PubMed 17657824; PubMed 19293843.